The following is an entry in ClinVar:

ClinVar aggregate classification (germline): Uncertain significance (1 of 4 stars; one submission).

Submission:

GeneDx
Classification: Uncertain significance. Last evaluated: 2021-06-14. Review status: criteria provided, single submitter. Criteria: GeneDx Variant Classification Process June 2021. Collection method: clinical testing. Allele origin: germline. Affected: yes.
Comment: In silico analysis supports a deleterious effect on protein structure/function; Has not been previously published as pathogenic or benign to our knowledge; In frame deletion of 2 amino acids; This variant is associated with the following publications: (PMID: 27535533)

NM_006015.6(ARID1A):c.5287GAA[3] (p.Glu1766_Glu1767del)

Gene: ARID1A (AT-rich interaction domain 1A; plus strand). Cytogenetic location: 1p36.11.
Variant type: Microsatellite.
Coding change: c.5287GAA[3] on transcript NM_006015.6 (MANE Select); three copies in a row of the 3-base unit GAA starting at c.5287; the reference has five copies in a row; two copies, 6 bases deleted.
Protein change: p.Glu1766_Glu1767del.
Molecular consequence: inframe deletion.
Genome position (GRCh38, 1-based): chr1:26,779,194-26,779,199, GAAGAA deleted; deleting any 6 consecutive bases within chr1:26,779,185-26,779,199 gives the same sequence; the position shown is the placement nearest the transcript's 3' end. VCF-style (leftmost placement, unchanged base first): chr1-26779184-GGAAGAA-G. GRCh37 (hg19) VCF-style: chr1-27105675-GGAAGAA-G.
Other names: c.4636GAA[3], p.Glu1549_Glu1550del (NM_139135.4).
Identifiers: ClinVar variation 1328584 (VCV001328584.2), dbSNP rs753766136, ClinGen allele CA707663.